The following is an entry in ClinVar:

ClinVar aggregate classification (germline): Likely benign (0 of 4 stars; one submission).

Conditions:
CREBBP-related disorder. Also called: CREBBP-related condition; CREBBP-related disorders.

Allele frequency attached by ClinVar (database versions not stated): TOPMed 0.00001; ESP Exome Variant Server 0.00008.

Submission:

PreventionGenetics, part of Exact Sciences
Classification: Likely benign for CREBBP-related condition. Last evaluated: 2020-09-14. Review status: no assertion criteria provided. Collection method: clinical testing. Allele origin: germline.
Comment: This variant is classified as likely benign based on ACMG/AMP sequence variant interpretation guidelines (Richards et al. 2015 PMID: 25741868, with internal and published modifications).

NM_004380.3(CREBBP):c.6927C>A (p.Gly2309=)

Gene: CREBBP (CREB binding lysine acetyltransferase; minus strand). Cytogenetic location: 16p13.3.
Variant type: single nucleotide variant.
Coding change: c.6927C>A on transcript NM_004380.3 (MANE Select); coding-DNA position 6927, C replaced by A.
Protein change: p.Gly2309=; no amino-acid change (glycine 2309 retained).
Molecular consequence: synonymous variant.
Genome position (GRCh38, 1-based): chr16:3,728,120, G>T on the plus strand (C>A on the coding strand, the complement: CREBBP is on the minus strand). VCF-style: chr16-3728120-G-T. GRCh37 (hg19) VCF-style: chr16-3778121-G-T.
Other names: c.6813C>A, p.Gly2271= (NM_001079846.1).
Identifiers: ClinVar variation 3032726 (VCV003032726.2), dbSNP rs145551451, ClinGen allele CA276971156.